The following is an entry in ClinVar:

NM_178335.3(CCDC50):c.1003G>A (p.Ala335Thr)

Gene: CCDC50 (coiled-coil domain containing 50; plus strand). Cytogenetic location: 3q28.
Variant type: single nucleotide variant.
Coding change: c.1003G>A on transcript NM_178335.3 (MANE Select); coding-DNA position 1003, G replaced by A.
Protein change: p.Ala335Thr; replaces alanine 335 with threonine.
Molecular consequence: missense variant.
Genome position (GRCh38, 1-based): chr3:191,380,185, G>A. VCF-style: chr3-191380185-G-A. GRCh37 (hg19) VCF-style: chr3-191097974-G-A.
Other names: c.475G>A, p.Ala159Thr (NM_174908.4); short protein forms A335T, A159T.
Identifiers: ClinVar variation 162858 (VCV000162858.6), dbSNP rs727502917, ClinGen allele CA175446.

ClinVar aggregate classification (germline): Conflicting classifications of pathogenicity. Review status: criteria provided, conflicting classifications (1 of 4 stars). 2 submissions from 2 submitters: Uncertain significance (1); Likely benign (1). Last evaluated 2024-12-19.

Allele frequency attached by ClinVar (database versions not stated): gnomAD 0.00002; TOPMed 0.00002.
gnomAD v4.1: 3 of 1,598,950 alleles (0.00019%); highest among the groups gnomAD compares: African/African-American, 0.004%; no homozygotes.

Submissions (2):

Labcorp Genetics (formerly Invitae), Labcorp
Classification: Uncertain significance. Last evaluated: 2024-12-19. Review status: criteria provided, single submitter. Criteria: Invitae Variant Classification Sherloc (09022015). Collection method: clinical testing. Allele origin: germline.
Comment: This sequence change replaces alanine, which is neutral and non-polar, with threonine, which is neutral and polar, at codon 335 of the CCDC50 protein (p.Ala335Thr). This variant is not present in population databases (gnomAD no frequency). This variant has not been reported in the literature in individuals affected with CCDC50-related conditions. ClinVar contains an entry for this variant (Variation ID: 162858). An algorithm developed to predict the effect of missense changes on protein structure and function outputs the following: PolyPhen-2: "Benign". The threonine amino acid residue is found in multiple mammalian species, which suggests that this missense change does not adversely affect protein function. In summary, the available evidence is currently insufficient to determine the role of this variant in disease. Therefore, it has been classified as a Variant of Uncertain Significance.

Laboratory for Molecular Medicine, Mass General Brigham Personalized Medicine
Classification: Likely benign. Last evaluated: 2013-07-28. Review status: criteria provided, single submitter. Criteria: LMM Criteria. Collection method: clinical testing. Allele origin: germline. Observed: 1 variant allele.
Comment: Ala335Thr in Exon 7 of CCDC50: This variant is not expected to have clinical sig nificance due to a lack of conservation across species, including mammals. Of no te, macaque, rhesus, baboon and chicken have a threonine (Thr) at this position. In addition, computational analyses (PolyPhen2, SIFT, AlignGVGD) do not suggest a high likelihood of impact to the protein.